The following is an entry in ClinVar:

NM_000282.4(PCCA):c.61C>T (p.Pro21Ser)

Gene: PCCA (propionyl-CoA carboxylase subunit alpha; plus strand). Cytogenetic location: 13q32.3.
Variant type: single nucleotide variant.
Coding change: c.61C>T on transcript NM_000282.4 (MANE Select); coding-DNA position 61, C replaced by T.
Protein change: p.Pro21Ser; replaces proline 21 with serine.
Molecular consequence: missense variant. On other transcripts: 5 prime UTR variant (3), non-coding transcript variant (5).
Genome position (GRCh38, 1-based): chr13:100,089,181, C>T. VCF-style: chr13-100089181-C-T. GRCh37 (hg19) VCF-style: chr13-100741435-C-T.
Other names: c.61C>T, p.Pro21Ser (NM_001127692.3, NM_001178004.2, NM_001352605.2 and 4 more transcripts); c.-806C>T (NM_001352610.2, NM_001352611.2, NM_001352612.2); short protein forms P21S.
Identifiers: ClinVar variation 1210778 (VCV001210778.10), dbSNP rs369743452, ClinGen allele CA7033071.

ClinVar aggregate classification (germline): Uncertain significance. Review status: criteria provided, multiple submitters, no conflicts (2 of 4 stars). 4 submissions from 4 submitters: Uncertain significance (3). 1 of the submissions does not count toward it. Last evaluated 2022-08-02.

Conditions:
Propionic acidemia (PROP). Also called: GLYCINEMIA, KETOTIC; HYPERGLYCINEMIA WITH KETOACIDOSIS AND LEUKOPENIA; KETOTIC HYPERGLYCINEMIA. Identifiers: Orphanet 35, MedGen C0268579, MONDO:0011628, OMIM 606054, HP:0003571.
Inborn genetic diseases. Identifiers: MedGen C0950123, MeSH D030342.

Allele frequency attached by ClinVar (database versions not stated): gnomAD 0.00002 and 0.00005; gnomAD exomes 0.00004; TOPMed 0.00006; ESP Exome Variant Server 0.00017.

Submissions (4):

Ambry Genetics
Classification: Uncertain significance for Inborn genetic diseases. Last evaluated: 2022-08-02. Review status: criteria provided, single submitter. Criteria: Ambry Variant Classification Scheme 2023. Collection method: clinical testing. Allele origin: germline.

Labcorp Genetics (formerly Invitae), Labcorp
Classification: Uncertain significance for Propionic acidemia. Last evaluated: 2022-03-18. Review status: criteria provided, single submitter. Criteria: Invitae Variant Classification Sherloc (09022015). Collection method: clinical testing. Allele origin: germline.
Comment: This sequence change replaces proline, which is neutral and non-polar, with serine, which is neutral and polar, at codon 21 of the PCCA protein (p.Pro21Ser). The frequency data for this variant in the population databases is considered unreliable, as metrics indicate poor data quality at this position in the gnomAD database. This variant has not been reported in the literature in individuals affected with PCCA-related conditions. ClinVar contains an entry for this variant (Variation ID: 1210778). Advanced modeling of protein sequence and biophysical properties (such as structural, functional, and spatial information, amino acid conservation, physicochemical variation, residue mobility, and thermodynamic stability) performed at Invitae indicates that this missense variant is not expected to disrupt PCCA protein function. In summary, the available evidence is currently insufficient to determine the role of this variant in disease. Therefore, it has been classified as a Variant of Uncertain Significance.

GeneDx
Classification: Uncertain significance. Last evaluated: 2020-07-30. Review status: criteria provided, single submitter. Criteria: GeneDx Variant Classification Process June 2021. Collection method: clinical testing. Allele origin: germline. Affected: yes.
Comment: Not observed at a significant frequency in large population cohorts (Lek et al., 2016); In silico analysis supports that this missense variant does not alter protein structure/function; Has not been previously published as pathogenic or benign to our knowledge

Natera, Inc.
Classification: Uncertain significance for Propionic acidemia. Last evaluated: 2020-02-21. Review status: no assertion criteria provided. Collection method: clinical testing. Allele origin: germline. Not counted in ClinVar's aggregate classification.